The following is an entry in ClinVar:

ClinVar aggregate classification (germline): Uncertain significance. Review status: criteria provided, multiple submitters, no conflicts (2 of 4 stars). 2 submissions from 2 submitters: Uncertain significance (2). Last evaluated 2022-09-27.

Allele frequency attached by ClinVar (database versions not stated): gnomAD exomes below 0.00001; TOPMed below 0.00001; ExAC 0.00001; gnomAD 0.00001.
gnomAD v4.1: 4 of 1,614,088 alleles (0.00025%); highest among the groups gnomAD compares: Non-Finnish European, 0.00034%; no homozygotes.

Submissions (2):

Labcorp Genetics (formerly Invitae), Labcorp
Classification: Uncertain significance. Last evaluated: 2022-09-27. Review status: criteria provided, single submitter. Criteria: Invitae Variant Classification Sherloc (09022015). Collection method: clinical testing. Allele origin: germline.
Comment: In summary, the available evidence is currently insufficient to determine the role of this variant in disease. Therefore, it has been classified as a Variant of Uncertain Significance. This sequence change replaces serine, which is neutral and polar, with proline, which is neutral and non-polar, at codon 366 of the CYP4V2 protein (p.Ser366Pro). This variant is present in population databases (rs200636986, gnomAD 0.0009%). This variant has not been reported in the literature in individuals affected with CYP4V2-related conditions. Advanced modeling of protein sequence and biophysical properties (such as structural, functional, and spatial information, amino acid conservation, physicochemical variation, residue mobility, and thermodynamic stability) has been performed at Invitae for this missense variant, however the output from this modeling did not meet the statistical confidence thresholds required to predict the impact of this variant on CYP4V2 protein function.

Blueprint Genetics
Classification: Uncertain significance. Last evaluated: 2021-12-03. Review status: criteria provided, single submitter. Criteria: ACMG Guidelines, 2015. Collection method: clinical testing. Allele origin: germline.

NM_207352.4(CYP4V2):c.1096T>C (p.Ser366Pro)

Gene: CYP4V2 (cytochrome P450 family 4 subfamily V member 2; plus strand). Cytogenetic location: 4q35.2.
Variant type: single nucleotide variant.
Coding change: c.1096T>C on transcript NM_207352.4 (MANE Select); coding-DNA position 1096, T replaced by C.
Protein change: p.Ser366Pro; replaces serine 366 with proline.
Molecular consequence: missense variant.
Genome position (GRCh38, 1-based): chr4:186,208,870, T>C. VCF-style: chr4-186208870-T-C. GRCh37 (hg19) VCF-style: chr4-187130024-T-C.
Other names: short protein forms S366P.
Identifiers: ClinVar variation 1945456 (VCV001945456.6), dbSNP rs200636986, ClinGen allele CA3162761.
Genomic context (GRCh38, chr4:186,208,870, plus strand): 5'-GCACCCCCAGCCCCCACTGCTCTTTCAGGTCATCTTATCTACTTGCTTTCATCAGGGAAG[T>C]CTGACCGTCCCGCTACAGTAGAAGACCTGAAGAAACTTCGGTATCTGGAATGTGTTATTA-3'
Protein context (NP_997235.3, residues 356-376): DHELDDVFGK[Ser366Pro]DRPATVEDLK